The following is an entry in ClinVar:

ClinVar aggregate classification (germline): Benign. Review status: criteria provided, multiple submitters, no conflicts (2 of 4 stars). 9 submissions from 9 submitters: Benign (7). 2 of the submissions do not count toward it. Last evaluated 2026-02-04.

Conditions:
Microcephaly 1, primary, autosomal recessive (MCPH1). Also called: PREMATURE CHROMOSOME CONDENSATION SYNDROME; PCC SYNDROME; PREMATURE CHROMOSOME CONDENSATION WITH MICROCEPHALY AND MENTAL RETARDATION. Identifiers: Orphanet 2512, MedGen C1855081, MONDO:0009617, OMIM 251200.

Allele frequency attached by ClinVar (database versions not stated): gnomAD exomes 0.01665 and 0.02670; ExAC 0.02887; ESP Exome Variant Server 0.06506; gnomAD 0.06731 and 0.07163; 1000 Genomes Project 0.06929; TOPMed 0.07220; 1000 Genomes Project 30x 0.07292.
gnomAD v4.1: 35,078 of 1,614,020 alleles (2.2%); highest among the groups gnomAD compares: African/African-American, 20%; 1,688 homozygotes.

Submissions (9):

Labcorp Genetics (formerly Invitae), Labcorp
Classification: Benign. Last evaluated: 2026-02-04. Review status: criteria provided, single submitter. Criteria: Invitae Variant Classification Sherloc (09022015). Collection method: clinical testing. Allele origin: germline.

Athena Diagnostics
Classification: Benign. Last evaluated: 2018-03-14. Review status: criteria provided, single submitter. Criteria: Athena Diagnostics Criteria. Collection method: clinical testing. Allele origin: germline.

Illumina Laboratory Services, Illumina
Classification: Benign for Microcephaly 1, primary, autosomal recessive. Last evaluated: 2018-01-12. Review status: criteria provided, single submitter. Criteria: ICSL Variant Classification Criteria 13 December 2019. Collection method: clinical testing. Allele origin: germline.
Comment: This variant was observed in the ICSL laboratory as part of a predisposition screen in an ostensibly healthy population. It had not been previously curated by ICSL or reported in the Human Gene Mutation Database (HGMD: prior to June 1st, 2018), and was therefore a candidate for classification through an automated scoring system. Utilizing variant allele frequency, disease prevalence and penetrance estimates, and inheritance mode, an automated score was calculated to assess if this variant is too frequent to cause the disease. Based on the score and internal cut-off values, a variant classified as benign is not then subjected to further curation. The score for this variant resulted in a classification of benign for this disease.

GeneDx
Classification: Benign. Last evaluated: 2015-03-03. Review status: criteria provided, single submitter. Criteria: GeneDx Variant Classification Process June 2021. Collection method: clinical testing. Allele origin: germline. Affected: yes.

Genetic Services Laboratory, University of Chicago
Classification: Benign. Last evaluated: 2013-02-08. Review status: criteria provided, single submitter. Criteria: ACMG Guidelines, 2007. Collection method: clinical testing. Allele origin: germline. Inheritance: Autosomal recessive inheritance.

Breakthrough Genomics
Classification: Benign. Review status: criteria provided, single submitter. Criteria: ACMG Guidelines, 2015. Collection method: not provided. Allele origin: germline. Inheritance: Autosomal recessive inheritance. Affected: yes.

PreventionGenetics, part of Exact Sciences
Classification: Benign. Review status: criteria provided, single submitter. Criteria: ACMG Guidelines, 2015. Collection method: clinical testing. Allele origin: germline.

Clinical Genetics DNA and cytogenetics Diagnostics Lab, Erasmus MC, Erasmus Medical Center
Classification: Benign. Review status: no assertion criteria provided. Collection method: clinical testing. Allele origin: germline. Affected: yes. Study: VKGL Data-share Consensus. Not counted in ClinVar's aggregate classification.

Joint Genome Diagnostic Labs from Nijmegen and Maastricht, Radboudumc and MUMC+
Classification: Benign. Review status: no assertion criteria provided. Collection method: clinical testing. Allele origin: germline. Affected: yes. Study: VKGL Data-share Consensus. Not counted in ClinVar's aggregate classification.

NM_024596.5(MCPH1):c.863C>A (p.Pro288His)

Gene: MCPH1 (microcephalin 1; plus strand). Cytogenetic location: 8p23.1.
Variant type: single nucleotide variant.
Coding change: c.863C>A on transcript NM_024596.5 (MANE Select); coding-DNA position 863, C replaced by A.
Protein change: p.Pro288His; replaces proline 288 with histidine.
Molecular consequence: missense variant. On other transcripts: non-coding transcript variant (1).
Genome position (GRCh38, 1-based): chr8:6,444,585, C>A. VCF-style: chr8-6444585-C-A. GRCh37 (hg19) VCF-style: chr8-6302106-C-A.
Other names: c.863C>A, p.Pro288His (NM_001172574.2, NM_001322042.2, NM_001363979.1 and 1 more transcripts); c.719C>A, p.Pro240His (NM_001172575.2); c.857C>A, p.Pro286His (NM_001322043.2); c.761C>A, p.Pro254His (NM_001322045.2); short protein forms P288H, P286H, P240H, P254H.
Identifiers: ClinVar variation 158876 (VCV000158876.24), dbSNP rs35590577, ClinGen allele CA172546.
Genomic context (GRCh38, chr8:6,444,585, plus strand): 5'-TATTGAAAGCAAATAATATTCATTCATCACCATCTTTCACTCACCTCGATAAATCAAGTC[C>A]TCAGAAATTTCTGAGTAATCTTTCAAAGGAAGAAATAAACTTGCAAAGAAATATTGCAGG-3'
Protein context (NP_078872.3, residues 278-298): PSFTHLDKSS[Pro288His]QKFLSNLSKE